The following is an entry in ClinVar:

ClinVar aggregate classification (germline): Uncertain significance. Review status: criteria provided, multiple submitters, no conflicts (2 of 4 stars). 3 submissions from 3 submitters: Uncertain significance (3). Last evaluated 2025-07-21.

Conditions:
Tumor predisposition syndrome 3 (TPDS3). Also called: Glioma susceptibility 9; LONG TELOMERE SYNDROME, POT1-RELATED; POT1 Tumor Predisposition; Melanoma, cutaneous malignant, susceptibility to, 10. Identifiers: Orphanet 618, MedGen C4014476, MONDO:0014368, OMIM 615848.
Hereditary cancer-predisposing syndrome. Also called: Tumor predisposition; Hereditary Cancer Syndrome; Hereditary neoplastic syndrome; Neoplastic Syndromes, Hereditary. Identifiers: Orphanet 140162, MedGen C0027672, MeSH D009386, MONDO:0015356.

Allele frequency attached by ClinVar (database versions not stated): gnomAD exomes below 0.00001; TOPMed below 0.00001; ExAC 0.00001; gnomAD 0.00001.
gnomAD v4.1: 3 of 1,590,226 alleles (0.00019%); highest among the groups gnomAD compares: Non-Finnish European, 0.00026%; no homozygotes.

Submissions (3):

Quest Diagnostics Nichols Institute San Juan Capistrano
Classification: Uncertain significance. Last evaluated: 2025-07-21. Review status: criteria provided, single submitter. Criteria: Quest Diagnostics criteria. Collection method: clinical testing. Allele origin: unknown.
Comment: The POT1 c.1367A>C (p.Glu456Ala) variant has not been reported in individuals with POT1-related conditions in the published literature. The frequency of this variant in the general population (Genome Aggregation Database) is uninformative in the assessment of its pathogenicity. Analysis of this variant using bioinformatics tools for the prediction of the effect of amino acid changes on protein structure and function yielded predictions that this variant is damaging. Based on the available information, we are unable to determine the clinical significance of this variant.

Labcorp Genetics (formerly Invitae), Labcorp
Classification: Uncertain significance for Tumor predisposition syndrome 3. Last evaluated: 2025-01-13. Review status: criteria provided, single submitter. Criteria: Invitae Variant Classification Sherloc (09022015). Collection method: clinical testing. Allele origin: germline.
Comment: This sequence change replaces glutamic acid, which is acidic and polar, with alanine, which is neutral and non-polar, at codon 456 of the POT1 protein (p.Glu456Ala). This variant is present in population databases (rs771226403, gnomAD 0.0009%). This variant has not been reported in the literature in individuals affected with POT1-related conditions. ClinVar contains an entry for this variant (Variation ID: 819016). An algorithm developed to predict the effect of missense changes on protein structure and function (PolyPhen-2) suggests that this variant is likely to be disruptive. In summary, the available evidence is currently insufficient to determine the role of this variant in disease. Therefore, it has been classified as a Variant of Uncertain Significance.

Ambry Genetics
Classification: Uncertain significance for Hereditary cancer-predisposing syndrome. Last evaluated: 2023-12-14. Review status: criteria provided, single submitter. Criteria: Ambry Variant Classification Scheme 2023. Collection method: clinical testing. Allele origin: germline.
Comment: The p.E456A variant (also known as c.1367A>C), located in coding exon 10 of the POT1 gene, results from an A to C substitution at nucleotide position 1367. The glutamic acid at codon 456 is replaced by alanine, an amino acid with dissimilar properties. This amino acid position is well conserved in available vertebrate species. In addition, the in silico prediction for this alteration is inconclusive. Since supporting evidence is limited at this time, the clinical significance of this alteration remains unclear.

NM_015450.3(POT1):c.1367A>C (p.Glu456Ala)

Gene: POT1 (protection of telomeres 1; minus strand). Cytogenetic location: 7q31.33.
Variant type: single nucleotide variant.
Coding change: c.1367A>C on transcript NM_015450.3 (MANE Select); coding-DNA position 1367, A replaced by C.
Protein change: p.Glu456Ala; replaces glutamic acid 456 with alanine.
Molecular consequence: missense variant. On other transcripts: non-coding transcript variant (3).
Genome position (GRCh38, 1-based): chr7:124,840,975, T>G on the plus strand (A>C on the coding strand, the complement: POT1 is on the minus strand). VCF-style: chr7-124840975-T-G. GRCh37 (hg19) VCF-style: chr7-124481029-T-G.
Other names: c.974A>C, p.Glu325Ala (NM_001042594.2); short protein forms E456A, E325A.
Identifiers: ClinVar variation 819016 (VCV000819016.12), dbSNP rs771226403, ClinGen allele CA4465158.